The following is an entry in ClinVar:

NM_001190274.2(FBXO11):c.2339-2A>G

Genes: FBXO11 (F-box protein 11; minus strand), MSH6 (mutS homolog 6; plus strand). Cytogenetic location: 2p16.3.
Variant type: single nucleotide variant.
Coding change: c.2339-2A>G on transcript NM_001190274.2 (MANE Select); the canonical splice acceptor site of the intron before coding-DNA position 2339, A replaced by G.
Molecular consequence: splice acceptor variant. On other transcripts: intron variant (6).
Genome position (GRCh38, 1-based): chr2:47,809,709, T>C on the plus strand (A>G on the coding strand, the complement: FBXO11 is on the minus strand). VCF-style: chr2-47809709-T-C. GRCh37 (hg19) VCF-style: chr2-48036848-T-C.
Other names: c.*44-290T>C (NM_001406809.1); c.*41-290T>C (NM_001406796.1, NM_001406811.1, NM_001406805.1 and 2 more transcripts); c.2087-2A>G (NM_001374325.1, NM_025133.4).
Identifiers: ClinVar variation 1804626 (VCV001804626.1), dbSNP rs2530963146, ClinGen allele CA346762869.

ClinVar aggregate classification (germline): Pathogenic (1 of 4 stars; one submission).

Submission:

GeneDx
Classification: Pathogenic. Last evaluated: 2022-12-15. Review status: criteria provided, single submitter. Criteria: GeneDx Variant Classification Process June 2021. Collection method: clinical testing. Allele origin: germline. Affected: yes.
Comment: Canonical splice site variant expected to result in aberrant splicing, although in the absence of functional evidence the actual effect of this sequence change is unknown.; Not observed at significant frequency in large population cohorts (gnomAD); Has not been previously published as pathogenic or benign to our knowledge